The following is an entry in ClinVar:

NM_001035.3(RYR2):c.1517A>T (p.His506Leu)

Gene: RYR2 (ryanodine receptor 2; plus strand). Cytogenetic location: 1q43.
Variant type: single nucleotide variant.
Coding change: c.1517A>T on transcript NM_001035.3 (MANE Select); coding-DNA position 1517, A replaced by T.
Protein change: p.His506Leu; replaces histidine 506 with leucine.
Molecular consequence: missense variant.
Genome position (GRCh38, 1-based): chr1:237,456,640, A>T. VCF-style: chr1-237456640-A-T. GRCh37 (hg19) VCF-style: chr1-237619940-A-T.
Other names: c.1517A>T, p.His506Leu (LRG_402t1); short protein forms H506L.
Identifiers: ClinVar variation 463581 (VCV000463581.12), dbSNP rs1476195040, ClinGen allele CA345381421.

ClinVar aggregate classification (germline): Uncertain significance (1 of 4 stars; one submission).

Conditions:
Catecholaminergic polymorphic ventricular tachycardia 1. Also called: VENTRICULAR TACHYCARDIA, STRESS-INDUCED POLYMORPHIC 1; VENTRICULAR TACHYCARDIA, CATECHOLAMINERGIC POLYMORPHIC, 1, WITH OR WITHOUT ATRIAL DYSFUNCTION AND/OR DILATED CARDIOMYOPATHY; RYR2-Related Catecholaminergic Polymorphic Ventricular Tachycardia. Identifiers: Orphanet 3286, MedGen C1631597, MONDO:0011484, OMIM 604772.

Allele frequency attached by ClinVar (database versions not stated): TOPMed below 0.00001; gnomAD 0.00001.
gnomAD v4.1: 1 of 1,608,206 alleles (0.000062%); highest among the groups gnomAD compares: Non-Finnish European, 0.000085%; no homozygotes.

Submission:

Labcorp Genetics (formerly Invitae), Labcorp
Classification: Uncertain significance for Catecholaminergic polymorphic ventricular tachycardia 1. Last evaluated: 2022-03-06. Review status: criteria provided, single submitter. Criteria: Invitae Variant Classification Sherloc (09022015). Collection method: clinical testing. Allele origin: germline.
Comment: ClinVar contains an entry for this variant (Variation ID: 463581). Advanced modeling of protein sequence and biophysical properties (such as structural, functional, and spatial information, amino acid conservation, physicochemical variation, residue mobility, and thermodynamic stability) performed at Invitae indicates that this missense variant is not expected to disrupt RYR2 protein function. In summary, the available evidence is currently insufficient to determine the role of this variant in disease. Therefore, it has been classified as a Variant of Uncertain Significance. This missense change has been observed in individual(s) with catecholaminergic polymorphic ventricular tachycardia (PMID: 31112425). This sequence change replaces histidine, which is basic and polar, with leucine, which is neutral and non-polar, at codon 506 of the RYR2 protein (p.His506Leu). This variant is not present in population databases (gnomAD no frequency).

Literature cited by the submitters: PubMed 31112425.